The following is an entry in ClinVar:

NM_001111125.3(IQSEC2):c.1401+2T>A

Gene: IQSEC2 (IQ motif and Sec7 domain ArfGEF 2; minus strand). Cytogenetic location: Xp11.22.
Variant type: single nucleotide variant.
Coding change: c.1401+2T>A on transcript NM_001111125.3 (MANE Select); the canonical splice donor site of the intron after coding-DNA position 1401, T replaced by A.
Molecular consequence: splice donor variant.
Genome position (GRCh38, 1-based): chrX:53,254,528, A>T on the plus strand (T>A on the coding strand, the complement: IQSEC2 is on the minus strand). VCF-style: chrX-53254528-A-T. GRCh37 (hg19) VCF-style: chrX-53283710-A-T.
Other names: c.1401+2T>A (NM_001410736.1); c.786+2T>A (NM_015075.2).
Identifiers: ClinVar variation 2013711 (VCV002013711.5), dbSNP rs2519835312, ClinGen allele CA413167168.

ClinVar aggregate classification (germline): Likely pathogenic (1 of 4 stars; one submission).

Conditions:
Intellectual developmental disorder, X-linked 1. Also called: Atkin Flaitz Patil Smith syndrome; MENTAL RETARDATION, X-LINKED 18; MENTAL RETARDATION, X-LINKED 78; Intellectual disability, X-linked 1. Identifiers: Orphanet 777, MedGen C2931498, MONDO:0010656, OMIM 309530.

Submissions (2):

Labcorp Genetics (formerly Invitae), Labcorp
Classification: Likely pathogenic for Intellectual developmental disorder, X-linked 1. Last evaluated: 2022-11-14. Review status: criteria provided, single submitter. Criteria: Invitae Variant Classification Sherloc (09022015). Collection method: clinical testing. Allele origin: germline.
Comment: In summary, the currently available evidence indicates that the variant is pathogenic, but additional data are needed to prove that conclusively. Therefore, this variant has been classified as Likely Pathogenic. Algorithms developed to predict the effect of sequence changes on RNA splicing suggest that this variant may disrupt the consensus splice site. This variant has not been reported in the literature in individuals affected with IQSEC2-related conditions. This variant is not present in population databases (gnomAD no frequency). This sequence change affects a donor splice site in intron 4 of the IQSEC2 gene. It is expected to disrupt RNA splicing. Variants that disrupt the donor or acceptor splice site typically lead to a loss of protein function (PMID: 16199547), and loss-of-function variants in IQSEC2 are known to be pathogenic (PMID: 21686261, 26793055, 27665735).

Dr. Peter K. Rogan Lab, Western University
No classification provided (evidence only). Condition: Thyroid cancer, nonmedullary, 1. Review status: no classification provided. Collection method: in vitro. Allele origin: not applicable. Functional consequence: retained intron. Not counted in ClinVar's aggregate classification.

Literature cited by the submitters: PubMed 16199547 (cited by Labcorp Genetics (formerly Invitae), Labcorp); PubMed 21686261 (cited by Labcorp Genetics (formerly Invitae), Labcorp); PubMed 26793055 (cited by Labcorp Genetics (formerly Invitae), Labcorp); PubMed 27665735 (cited by Labcorp Genetics (formerly Invitae), Labcorp).